The following is an entry in ClinVar:

ClinVar aggregate classification (germline): Likely benign. Review status: criteria provided, multiple submitters, no conflicts (2 of 4 stars). 3 submissions from 3 submitters: Likely benign (2). 1 of the submissions does not count toward it. Last evaluated 2025-12-20.

Conditions:
COL9A2-related disorder. Also called: COL9A2-related condition.

Allele frequency attached by ClinVar (database versions not stated): gnomAD 0.00001; gnomAD exomes 0.00001 and 0.00002; TOPMed 0.00002.
gnomAD v4.1: 17 of 1,614,054 alleles (0.0011%); highest among the groups gnomAD compares: Admixed American, 0.0017%; no homozygotes.

Submissions (3):

Labcorp Genetics (formerly Invitae), Labcorp
Classification: Likely benign. Last evaluated: 2025-12-20. Review status: criteria provided, single submitter. Criteria: Invitae Variant Classification Sherloc (09022015). Collection method: clinical testing. Allele origin: germline.

Blueprint Genetics
Classification: Likely benign. Last evaluated: 2024-08-20. Review status: criteria provided, single submitter. Criteria: ACMG Guidelines, 2015. Collection method: clinical testing. Allele origin: germline.

PreventionGenetics, part of Exact Sciences
Classification: Likely benign for COL9A2-related condition. Last evaluated: 2020-09-30. Review status: no assertion criteria provided. Collection method: clinical testing. Allele origin: germline. Not counted in ClinVar's aggregate classification.
Comment: This variant is classified as likely benign based on ACMG/AMP sequence variant interpretation guidelines (Richards et al. 2015 PMID: 25741868, with internal and published modifications).

NM_001852.4(COL9A2):c.1011T>C (p.Gly337=)

Gene: COL9A2 (collagen type IX alpha 2 chain; minus strand). Cytogenetic location: 1p34.2.
Variant type: single nucleotide variant.
Coding change: c.1011T>C on transcript NM_001852.4 (MANE Select); coding-DNA position 1011, T replaced by C.
Protein change: p.Gly337=; no amino-acid change (glycine 337 retained).
Molecular consequence: synonymous variant.
Genome position (GRCh38, 1-based): chr1:40,306,185, A>G on the plus strand (T>C on the coding strand, the complement: COL9A2 is on the minus strand). VCF-style: chr1-40306185-A-G. GRCh37 (hg19) VCF-style: chr1-40771857-A-G.
Other names: c.1011T>C (NM_001852.3).
Identifiers: ClinVar variation 1612553 (VCV001612553.11), dbSNP rs899548532, ClinGen allele CA21041540.